The following is an entry in ClinVar:

ClinVar aggregate classification (germline): Likely benign (1 of 4 stars; one submission).

Allele frequency attached by ClinVar (database versions not stated): gnomAD exomes 0.00016; ExAC 0.00022; ESP Exome Variant Server 0.00030.
gnomAD v4.1: 192 of 1,208,196 alleles (0.016%); highest among the groups gnomAD compares: Non-Finnish European, 0.013%; no homozygotes.

Submission:

CeGaT Center for Human Genetics Tuebingen
Classification: Likely benign. Last evaluated: 2022-12-01. Review status: criteria provided, single submitter. Criteria: CeGaT Center For Human Genetics Tuebingen Variant Classification Criteria Version 2. Collection method: clinical testing. Allele origin: germline. Affected: yes. Observed: 2 variant alleles.
Comment: DGKK: BP4, BP7, BS2

NM_001013742.4(DGKK):c.1515G>T (p.Gly505=)

Gene: DGKK (diacylglycerol kinase kappa; minus strand). Cytogenetic location: Xp11.22.
Variant type: single nucleotide variant.
Coding change: c.1515G>T on transcript NM_001013742.4 (MANE Select); coding-DNA position 1515, G replaced by T.
Protein change: p.Gly505=; no amino-acid change (glycine 505 retained).
Molecular consequence: synonymous variant.
Genome position (GRCh38, 1-based): chrX:50,393,232, C>A on the plus strand (G>T on the coding strand, the complement: DGKK is on the minus strand). VCF-style: chrX-50393232-C-A. GRCh37 (hg19) VCF-style: chrX-50136230-C-A.
Identifiers: ClinVar variation 2660552 (VCV002660552.24), dbSNP rs200258360, ClinGen allele CA10415423.